The following is an entry in ClinVar:

ClinVar aggregate classification (germline): Uncertain significance (1 of 4 stars; one submission).

Submission:

CeGaT Center for Human Genetics Tuebingen
Classification: Uncertain significance. Last evaluated: 2024-01-01. Review status: criteria provided, single submitter. Criteria: CeGaT Center For Human Genetics Tuebingen Variant Classification Criteria Version 2. Collection method: clinical testing. Allele origin: germline. Affected: yes. Observed: 1 variant allele.
Comment: TTN: PM2, BP4

NM_001267550.2(TTN):c.73654A>G (p.Lys24552Glu)

Genes: TTN (titin; minus strand), TTN-AS1 (TTN antisense RNA 1; plus strand). Cytogenetic location: 2q31.2.
Variant type: single nucleotide variant.
Coding change: c.73654A>G on transcript NM_001267550.2 (MANE Select); coding-DNA position 73654, A replaced by G.
Protein change: p.Lys24552Glu; replaces lysine 24552 with glutamic acid.
Molecular consequence: missense variant.
Genome position (GRCh38, 1-based): chr2:178,572,478, T>C on the plus strand (A>G on the coding strand, the complement: TTN is on the minus strand). VCF-style: chr2-178572478-T-C. GRCh37 (hg19) VCF-style: chr2-179437205-T-C.
Other names: c.68731A>G, p.Lys22911Glu (NM_001256850.1); c.46459A>G, p.Lys15487Glu (NM_003319.4); c.65950A>G, p.Lys21984Glu (NM_133378.4); c.46834A>G, p.Lys15612Glu (NM_133432.3); c.47035A>G, p.Lys15679Glu (NM_133437.4); short protein forms K15487E, K15612E, K15679E, K21984E, K22911E, K24552E.
Identifiers: ClinVar variation 3026976 (VCV003026976.22), dbSNP rs2468538243, ClinGen allele CA349637813.